The following is an entry in ClinVar:

NM_003000.3(SDHB):c.65G>A (p.Cys22Tyr)

Genes: SDHB (succinate dehydrogenase complex iron sulfur subunit B; minus strand), LOC129929542 (ATAC-STARR-seq lymphoblastoid active region 277; plus strand). Cytogenetic location: 1p36.13.
Variant type: single nucleotide variant.
Coding change: c.65G>A on transcript NM_003000.3 (MANE Select); coding-DNA position 65, G replaced by A.
Protein change: p.Cys22Tyr; replaces cysteine 22 with tyrosine.
Molecular consequence: missense variant.
Genome position (GRCh38, 1-based): chr1:17,053,955, C>T on the plus strand (G>A on the coding strand, the complement: SDHB is on the minus strand). VCF-style: chr1-17053955-C-T. GRCh37 (hg19) VCF-style: chr1-17380450-C-T.
Other names: short protein forms C22Y.
Identifiers: ClinVar variation 528742 (VCV000528742.15), dbSNP rs141230910, ClinGen allele CA089704.

ClinVar aggregate classification (germline): Uncertain significance. Review status: criteria provided, multiple submitters, no conflicts (2 of 4 stars). 5 submissions from 5 submitters: Uncertain significance (5). Last evaluated 2025-07-29.

Conditions:
Hereditary pheochromocytoma and paraganglioma. Also called: Hereditary pheochromocytoma-paraganglioma; Hereditary Paraganglioma-Pheochromocytoma Syndromes; Hereditary paragangliomas and pheochromocytomas. Identifiers: Orphanet 29072, MedGen C4274332, MONDO:0017366.
Hereditary cancer-predisposing syndrome. Also called: Hereditary neoplastic syndrome; Neoplastic Syndromes, Hereditary; Hereditary Cancer Syndrome; Tumor predisposition. Identifiers: Orphanet 140162, MedGen C0027672, MeSH D009386, MONDO:0015356.
Gastrointestinal stromal tumor. Also called: Gastrointestinal stromal tumor, somatic; Gastrointestinal stroma tumor. Identifiers: Orphanet 44890, MedGen C0238198, MeSH D046152, MONDO:0011719, OMIM 606764, HP:0100723.
Pheochromocytoma. Also called: MAX-Related Hereditary Paraganglioma-Pheochromocytoma Syndrome. Identifiers: Orphanet 29072, MedGen C0031511, MONDO:0008233, OMIM 171300, HP:0002666.
Pheochromocytoma/paraganglioma syndrome 4. Also called: SDHB-Related Hereditary Paraganglioma-Pheochromocytoma Syndrome; PARAGANGLIOMA, FAMILIAL MALIGNANT; PARAGANGLIOMAS, HEREDITARY EXTRAADRENAL; PHEOCHROMOCYTOMA, FAMILIAL EXTRAADRENAL; Paragangliomas 4; CAROTID BODY TUMORS AND MULTIPLE EXTRAADRENAL PHEOCHROMOCYTOMAS. Identifiers: Orphanet 29072, MedGen C1861848, MONDO:0007273, OMIM 115310.

gnomAD v4.1: 2 of 1,612,584 alleles (0.00012%); highest among the groups gnomAD compares: Admixed American, 0.0017%; no homozygotes.

Submissions (5):

Labcorp Genetics (formerly Invitae), Labcorp
Classification: Uncertain significance for Gastrointestinal stromal tumor; Pheochromocytoma/paraganglioma syndrome 4; Pheochromocytoma. Last evaluated: 2025-07-29. Review status: criteria provided, single submitter. Criteria: Invitae Variant Classification Sherloc (09022015). Collection method: clinical testing. Allele origin: germline.
Comment: This sequence change replaces cysteine, which is neutral and slightly polar, with tyrosine, which is neutral and polar, at codon 22 of the SDHB protein (p.Cys22Tyr). This variant is present in population databases (rs141230910, gnomAD 0.003%). This variant has not been reported in the literature in individuals affected with SDHB-related conditions. ClinVar contains an entry for this variant (Variation ID: 528742). Invitae Evidence Modeling of protein sequence and biophysical properties (such as structural, functional, and spatial information, amino acid conservation, physicochemical variation, residue mobility, and thermodynamic stability) indicates that this missense variant is not expected to disrupt SDHB protein function with a negative predictive value of 95%. In summary, the available evidence is currently insufficient to determine the role of this variant in disease. Therefore, it has been classified as a Variant of Uncertain Significance.

Color Diagnostics, LLC DBA Color Health
Classification: Uncertain significance for Hereditary pheochromocytoma and paraganglioma. Last evaluated: 2025-07-14. Review status: criteria provided, single submitter. Criteria: ACMG Guidelines, 2015. Collection method: clinical testing. Allele origin: germline.
Comment: This missense variant replaces cysteine with tyrosine at codon 22 of the SDHB protein. Computational prediction suggests that this variant may not impact protein structure and function. To our knowledge, functional studies have not been reported for this variant. This variant has not been reported in individuals affected with SDHB-related disorders in the literature. This variant has been identified in 1/242626 chromosomes in the general population by the Genome Aggregation Database (gnomAD). The available evidence is insufficient to determine the role of this variant in disease conclusively. Therefore, this variant is classified as a Variant of Uncertain Significance.

Ambry Genetics
Classification: Uncertain significance for Hereditary cancer-predisposing syndrome. Last evaluated: 2025-03-27. Review status: criteria provided, single submitter. Criteria: Ambry Variant Classification Scheme 2023. Collection method: clinical testing. Allele origin: germline.
Comment: The p.C22Y variant (also known as c.65G>A), located in coding exon 1 of the SDHB gene, results from a G to A substitution at nucleotide position 65. The cysteine at codon 22 is replaced by tyrosine, an amino acid with highly dissimilar properties. This amino acid position is not well conserved in available vertebrate species. In addition, the in silico prediction for this alteration is inconclusive. Based on the available evidence, the clinical significance of this variant remains unclear.

Baylor Genetics
Classification: Uncertain significance for Gastrointestinal stromal tumor. Last evaluated: 2024-03-27. Review status: criteria provided, single submitter. Criteria: ACMG Guidelines, 2015. Collection method: clinical testing. Allele origin: unknown.

All of Us Research Program, National Institutes of Health
Classification: Uncertain significance for Hereditary pheochromocytoma and paraganglioma. Last evaluated: 2023-05-04. Review status: criteria provided, single submitter. Criteria: ACMG Guidelines, 2015. Collection method: clinical testing. Allele origin: germline. Inheritance: Autosomal dominant inheritance. Observed: 1 variant allele, 1 heterozygote.
Comment: This missense variant replaces cysteine with tyrosine at codon 22 of the SDHB protein. Computational prediction suggests that this variant may not impact protein structure and function (internally defined REVEL score threshold <= 0.5, PMID: 27666373). To our knowledge, functional studies have not been reported for this variant. This variant has not been reported in individuals affected with SDHB-related disorders in the literature. This variant has been identified in 1/242626 chromosomes in the general population by the Genome Aggregation Database (gnomAD). The available evidence is insufficient to determine the role of this variant in disease conclusively. Therefore, this variant is classified as a Variant of Uncertain Significance.

This study involves interpretation of variants in research participants for the purpose of population health screening. Participant phenotype was not available at the time of variant classification. Additional details can be found in publication PMID: 35346344, PMCID: PMC8962531